The following is an entry in ClinVar:

NM_001277115.2(DNAH11):c.5573A>C (p.Glu1858Ala)

Gene: DNAH11 (dynein axonemal heavy chain 11; plus strand). Cytogenetic location: 7p15.3.
Variant type: single nucleotide variant.
Coding change: c.5573A>C on transcript NM_001277115.2 (MANE Select); coding-DNA position 5573, A replaced by C.
Protein change: p.Glu1858Ala; replaces glutamic acid 1858 with alanine.
Molecular consequence: missense variant.
Genome position (GRCh38, 1-based): chr7:21,683,896, A>C. VCF-style: chr7-21683896-A-C. GRCh37 (hg19) VCF-style: chr7-21723514-A-C.
Other names: c.5594A>C, p.Glu1865Ala (NM_003777.3); short protein forms E1858A, E1865A.
Identifiers: ClinVar variation 1748378 (VCV001748378.2), dbSNP rs2534906794, ClinGen allele CA366947708.

ClinVar aggregate classification (germline): Uncertain significance (1 of 4 stars; one submission).

Conditions:
Primary ciliary dyskinesia. Also called: Ciliary dyskinesia. Identifiers: Orphanet 244, MedGen C0008780, MONDO:0016575, HP:0012265.

Submission:

Ambry Genetics
Classification: Uncertain significance for Primary ciliary dyskinesia. Last evaluated: 2022-10-17. Review status: criteria provided, single submitter. Criteria: Ambry Variant Classification Scheme 2023. Collection method: clinical testing. Allele origin: germline.
Comment: The p.E1858A variant (also known as c.5573A>C), located in coding exon 32 of the DNAH11 gene, results from an A to C substitution at nucleotide position 5573. The glutamic acid at codon 1858 is replaced by alanine, an amino acid with dissimilar properties. This amino acid position is conserved. In addition, this alteration is predicted to be deleterious by in silico analysis. Since supporting evidence is limited at this time, the clinical significance of this alteration remains unclear.